The following is an entry in ClinVar:

NM_006420.3(ARFGEF2):c.2697G>T (p.Thr899=)

Gene: ARFGEF2 (ARF guanine nucleotide exchange factor 2; plus strand). Cytogenetic location: 20q13.13.
Variant type: single nucleotide variant.
Coding change: c.2697G>T on transcript NM_006420.3 (MANE Select); coding-DNA position 2697, G replaced by T.
Protein change: p.Thr899=; no amino-acid change (threonine 899 retained).
Molecular consequence: synonymous variant.
Genome position (GRCh38, 1-based): chr20:48,989,567, G>T. VCF-style: chr20-48989567-G-T. GRCh37 (hg19) VCF-style: chr20-47606104-G-T.
Other names: c.2694G>T, p.Thr898= (NM_001410846.1).
Identifiers: ClinVar variation 2724146 (VCV002724146.13), dbSNP rs779986717, ClinGen allele CA9898724.

ClinVar aggregate classification (germline): Likely benign. Review status: criteria provided, multiple submitters, no conflicts (2 of 4 stars). 2 submissions from 2 submitters: Likely benign (2). Last evaluated 2025-06-02.

Allele frequency attached by ClinVar (database versions not stated): ExAC 0.00001; TOPMed 0.00002.
gnomAD v4.1: 9 of 1,614,080 alleles (0.00056%); highest among the groups gnomAD compares: Admixed American, 0.0083%; no homozygotes.

Submissions (2):

Labcorp Genetics (formerly Invitae), Labcorp
Classification: Likely benign. Last evaluated: 2025-06-02. Review status: criteria provided, single submitter. Criteria: Invitae Variant Classification Sherloc (09022015). Collection method: clinical testing. Allele origin: germline.

CeGaT Center for Human Genetics Tuebingen
Classification: Likely benign. Last evaluated: 2025-05-01. Review status: criteria provided, single submitter. Criteria: CeGaT Center For Human Genetics Tuebingen Variant Classification Criteria Version 2. Collection method: clinical testing. Allele origin: germline. Affected: yes. Observed: 1 variant allele.
Comment: ARFGEF2: BP4, BP7